The following is an entry in ClinVar:

NM_013339.4(ALG6):c.1367T>C (p.Met456Thr)

Gene: ALG6 (ALG6 alpha-1,3-glucosyltransferase; plus strand). Cytogenetic location: 1p31.3.
Variant type: single nucleotide variant.
Coding change: c.1367T>C on transcript NM_013339.4 (MANE Select); coding-DNA position 1367, T replaced by C.
Protein change: p.Met456Thr; replaces methionine 456 with threonine.
Molecular consequence: missense variant.
Genome position (GRCh38, 1-based): chr1:63,436,863, T>C. VCF-style: chr1-63436863-T-C. GRCh37 (hg19) VCF-style: chr1-63902534-T-C.
Other names: short protein forms M456T.
Identifiers: ClinVar variation 1714487 (VCV001714487.5), dbSNP rs2523811120, ClinGen allele CA340641508.

ClinVar aggregate classification (germline): Uncertain significance (1 of 4 stars; one submission).

Conditions:
ALG6-congenital disorder of glycosylation 1C (CDG1C). Also called: Congenital disorder of glycosylation, type Ic; CDG Ic; CARBOHYDRATE-DEFICIENT GLYCOPROTEIN SYNDROME, TYPE I, WITH DEFICIENT GLYCOSYLATION OF DOLICHOL-LINKED OLIGOSACCHARIDE; CARBOHYDRATE-DEFICIENT GLYCOPROTEIN SYNDROME, TYPE V; Congenital disorder of glycosylation type 1C. Identifiers: Orphanet 79320, MedGen C2930997, MONDO:0011291, OMIM 603147.

Submission:

Labcorp Genetics (formerly Invitae), Labcorp
Classification: Uncertain significance for ALG6-congenital disorder of glycosylation 1C. Last evaluated: 2022-07-30. Review status: criteria provided, single submitter. Criteria: Invitae Variant Classification Sherloc (09022015). Collection method: clinical testing. Allele origin: germline.
Comment: This sequence change replaces methionine, which is neutral and non-polar, with threonine, which is neutral and polar, at codon 456 of the ALG6 protein (p.Met456Thr). This variant is not present in population databases (gnomAD no frequency). This variant has not been reported in the literature in individuals affected with ALG6-related conditions. Algorithms developed to predict the effect of missense changes on protein structure and function are either unavailable or do not agree on the potential impact of this missense change (SIFT: "Deleterious"; PolyPhen-2: "Benign"; Align-GVGD: "Class C0"). In summary, the available evidence is currently insufficient to determine the role of this variant in disease. Therefore, it has been classified as a Variant of Uncertain Significance.